The following is an entry in ClinVar:

ClinVar aggregate classification (germline): Uncertain significance (1 of 4 stars; one submission).

Allele frequency attached by ClinVar (database versions not stated): 1000 Genomes Project 30x 0.00016; 1000 Genomes Project 0.00020.
gnomAD v4.1: 1 of 1,614,192 alleles (0.000062%); highest among the groups gnomAD compares: South Asian, 0.0011%; no homozygotes.

Submission:

Labcorp Genetics (formerly Invitae), Labcorp
Classification: Uncertain significance. Last evaluated: 2023-09-12. Review status: criteria provided, single submitter. Criteria: Invitae Variant Classification Sherloc (09022015). Collection method: clinical testing. Allele origin: germline.
Comment: In summary, the available evidence is currently insufficient to determine the role of this variant in disease. Therefore, it has been classified as a Variant of Uncertain Significance. An algorithm developed to predict the effect of missense changes on protein structure and function (PolyPhen-2) suggests that this variant is likely to be tolerated. This variant has not been reported in the literature in individuals affected with SLC16A12-related conditions. This variant is not present in population databases (gnomAD no frequency). This sequence change replaces histidine, which is basic and polar, with tyrosine, which is neutral and polar, at codon 240 of the SLC16A12 protein (p.His240Tyr).

NM_213606.4(SLC16A12):c.718C>T (p.His240Tyr)

Gene: SLC16A12 (solute carrier family 16 member 12; minus strand). Cytogenetic location: 10q23.31.
Variant type: single nucleotide variant.
Coding change: c.718C>T on transcript NM_213606.4 (MANE Select); coding-DNA position 718, C replaced by T.
Protein change: p.His240Tyr; replaces histidine 240 with tyrosine.
Molecular consequence: missense variant.
Genome position (GRCh38, 1-based): chr10:89,438,914, G>A on the plus strand (C>T on the coding strand, the complement: SLC16A12 is on the minus strand). VCF-style: chr10-89438914-G-A. GRCh37 (hg19) VCF-style: chr10-91198671-G-A.
Other names: short protein forms H240Y.
Identifiers: ClinVar variation 2760404 (VCV002760404.3), dbSNP rs138552950, ClinGen allele CA5595452.